The following is an entry in ClinVar:

ClinVar aggregate classification (germline): Pathogenic (1 of 4 stars; one submission).

Conditions:
Cardiovascular phenotype. Identifiers: MedGen CN230736.

Submission:

Ambry Genetics
Classification: Pathogenic for Cardiovascular phenotype. Last evaluated: 2025-02-19. Review status: criteria provided, single submitter. Criteria: Ambry Variant Classification Scheme 2023. Collection method: clinical testing. Allele origin: germline.
Comment: The c.215delG pathogenic mutation, located in coding exon 2 of the TCAP gene, results from a deletion of one nucleotide at nucleotide position 215, causing a translational frameshift with a predicted alternate stop codon (p.G72Afs*116). This alteration occurs at the 3' terminus of theTCAP gene, is not expected to trigger nonsense-mediated mRNA decay, and impacts the last 57% of the protein. However, premature stop codons are typically deleterious in nature and a significant portion of the protein is affected (Ambry internal data). This variant is considered to be rare based on population cohorts in the Genome Aggregation Database (gnomAD). Based on the supporting evidence, this variant is interpreted as a disease-causing mutation.

NM_003673.4(TCAP):c.215del (p.Gly72fs)

Gene: TCAP (titin-cap; plus strand). Cytogenetic location: 17q12.
Variant type: Deletion.
Coding change: c.215del on transcript NM_003673.4 (MANE Select); coding-DNA position 215, one base deleted (G; older notation c.215delG).
Protein change: p.Gly72fs; shifts the reading frame from glycine 72.
Molecular consequence: frameshift variant.
Genome position (GRCh38, 1-based): chr17:39,665,820, G deleted; the last of 3 consecutive G bases (chr17:39,665,818-39,665,820); deleting any one gives the same sequence. VCF-style (leftmost placement, unchanged base first): chr17-39665817-TG-T. GRCh37 (hg19) VCF-style: chr17-37822070-TG-T.
Other names: short protein forms G72fs.
Identifiers: ClinVar variation 3804984 (VCV003804984.1).